The following is an entry in ClinVar:

NM_005529.7(HSPG2):c.11937C>T (p.Phe3979=)

Gene: HSPG2 (heparan sulfate proteoglycan 2; minus strand). Cytogenetic location: 1p36.12.
Variant type: single nucleotide variant.
Coding change: c.11937C>T on transcript NM_005529.7 (MANE Select); coding-DNA position 11937, C replaced by T.
Protein change: p.Phe3979=; no amino-acid change (phenylalanine 3979 retained).
Molecular consequence: synonymous variant.
Genome position (GRCh38, 1-based): chr1:21,829,438, G>A on the plus strand (C>T on the coding strand, the complement: HSPG2 is on the minus strand). VCF-style: chr1-21829438-G-A. GRCh37 (hg19) VCF-style: chr1-22155931-G-A.
Other names: c.11940C>T, p.Phe3980= (NM_001291860.2).
Identifiers: ClinVar variation 790298 (VCV000790298.43), dbSNP rs143431746, ClinGen allele CA669575.

ClinVar aggregate classification (germline): Benign/Likely benign. Review status: criteria provided, multiple submitters, no conflicts (2 of 4 stars). 8 submissions from 7 submitters: Benign (3); Likely benign (5). Last evaluated 2026-06-01.

Conditions:
Connective tissue disorder. Also called: Connective tissue disease. Identifiers: MedGen C0009782, MONDO:0003900.
Schwartz-Jampel syndrome. Also called: Myotonic myopathy dwarfism chondrodystrophy and ocular and facial abnormalities. Identifiers: Orphanet 800, MedGen C0036391, MONDO:0009717.
Lethal Kniest-like syndrome (DDSH). Also called: Dyssegmental Dysplasia. Identifiers: Orphanet 1865, MedGen C1857100, MONDO:0009140, OMIM 224410.

Allele frequency attached by ClinVar (database versions not stated): 1000 Genomes Project 0.00020; 1000 Genomes Project 30x 0.00031; TOPMed 0.00167; ExAC 0.00201; gnomAD exomes 0.00206 and 0.00288; gnomAD 0.00210 and 0.00217; ESP Exome Variant Server 0.00254.
gnomAD v4.1: 4,470 of 1,613,410 alleles (0.28%); highest among the groups gnomAD compares: Non-Finnish European, 0.34%; 12 homozygotes.

Submissions (8):

CeGaT Center for Human Genetics Tuebingen
Classification: Likely benign. Last evaluated: 2026-06-01. Review status: criteria provided, single submitter. Criteria: CeGaT Center For Human Genetics Tuebingen Variant Classification Criteria Version 2. Collection method: clinical testing. Allele origin: germline. Affected: yes. Observed: 10 variant alleles.
Comment: HSPG2: BP4, BP7

Labcorp Genetics (formerly Invitae), Labcorp
Classification: Benign. Last evaluated: 2026-01-23. Review status: criteria provided, single submitter. Criteria: Invitae Variant Classification Sherloc (09022015). Collection method: clinical testing. Allele origin: germline.

Blueprint Genetics
Classification: Likely benign. Last evaluated: 2024-11-22. Review status: criteria provided, single submitter. Criteria: ACMG Guidelines, 2015. Collection method: clinical testing. Allele origin: germline.

ARUP Laboratories, Molecular Genetics and Genomics, ARUP Laboratories
Classification: Benign. Last evaluated: 2023-05-15. Review status: criteria provided, single submitter. Criteria: ARUP Molecular Germline Variant Investigation Process 2024. Collection method: clinical testing. Allele origin: germline.

Genome Diagnostics Laboratory, The Hospital for Sick Children
Classification: Likely benign for Connective tissue disorder. Last evaluated: 2019-12-01. Review status: criteria provided, single submitter. Criteria: ACMG Guidelines, 2015. Collection method: clinical testing. Allele origin: germline.

GeneDx
Classification: Benign. Last evaluated: 2019-08-19. Review status: criteria provided, single submitter. Criteria: GeneDx Variant Classification Process June 2021. Collection method: clinical testing. Allele origin: germline. Affected: yes.

Illumina Laboratory Services, Illumina
Classification: Likely benign for Lethal Kniest-like syndrome. Last evaluated: 2018-01-12. Review status: criteria provided, single submitter. Criteria: ICSL Variant Classification Criteria 13 December 2019. Collection method: clinical testing. Allele origin: germline.
Comment: This variant was observed in the ICSL laboratory as part of a predisposition screen in an ostensibly healthy population. It had not been previously curated by ICSL or reported in the Human Gene Mutation Database (HGMD: prior to June 1st, 2018), and was therefore a candidate for classification through an automated scoring system. Utilizing variant allele frequency, disease prevalence and penetrance estimates, and inheritance mode, an automated score was calculated to assess if this variant is too frequent to cause the disease. Based on the score and internal cut-off values, a variant classified as likely benign is not then subjected to further curation. The score for this variant resulted in a classification of likely benign for this disease.

Illumina Laboratory Services, Illumina
Classification: Likely benign for Schwartz-Jampel syndrome type 1. Last evaluated: 2018-01-12. Review status: criteria provided, single submitter. Criteria: ICSL Variant Classification Criteria 13 December 2019. Collection method: clinical testing. Allele origin: germline.
Comment: the same text as in the submission from Illumina Laboratory Services, Illumina above.